The following is an entry in ClinVar:

ClinVar aggregate classification (germline): Uncertain significance. Review status: criteria provided, multiple submitters, no conflicts (2 of 4 stars). 2 submissions from 2 submitters: Uncertain significance (2). Last evaluated 2024-01-22.

Conditions:
Beckwith-Wiedemann syndrome (BWS). Also called: EMG SYNDROME; Exomphalos macroglossia gigantism syndrome. Identifiers: Orphanet 116, MedGen C0004903, MONDO:0007534, OMIM 130650.
IMAGe syndrome. Also called: Intrauterine growth retardation, metaphyseal dysplasia, adrenal hypoplasia congenita, and genital anomalies; Intrauterine Growth Restriction, Metaphyseal Dysplasia, Adrenal Hypoplasia Congenita, and Genital Anomalies. Identifiers: Orphanet 85173, MedGen C1846009, MONDO:0013873, OMIM 614732.

Allele frequency attached by ClinVar (database versions not stated): gnomAD exomes below 0.00001; gnomAD 0.00001; 1000 Genomes Project 30x 0.00016.
gnomAD v4.1: 3 of 1,281,974 alleles (0.00023%); highest among the groups gnomAD compares: East Asian, 0.0032%; no homozygotes.

Submissions (2):

Fulgent Genetics
Classification: Uncertain significance for Beckwith-Wiedemann syndrome; IMAGe syndrome. Last evaluated: 2024-01-22. Review status: criteria provided, single submitter. Criteria: ACMG Guidelines, 2015. Collection method: clinical testing. Allele origin: germline.

Labcorp Genetics (formerly Invitae), Labcorp
Classification: Uncertain significance for Beckwith-Wiedemann syndrome. Last evaluated: 2023-06-21. Review status: criteria provided, single submitter. Criteria: Invitae Variant Classification Sherloc (09022015). Collection method: clinical testing. Allele origin: germline.
Comment: In summary, the available evidence is currently insufficient to determine the role of this variant in disease. Therefore, it has been classified as a Variant of Uncertain Significance. Algorithms developed to predict the effect of missense changes on protein structure and function output the following: SIFT: "Not Available"; PolyPhen-2: "Not Available"; Align-GVGD: "Not Available". The proline amino acid residue is found in multiple mammalian species, which suggests that this missense change does not adversely affect protein function. ClinVar contains an entry for this variant (Variation ID: 1021360). This variant has not been reported in the literature in individuals affected with CDKN1C-related conditions. This variant is not present in population databases (gnomAD no frequency). This sequence change replaces leucine, which is neutral and non-polar, with proline, which is neutral and non-polar, at codon 154 of the CDKN1C protein (p.Leu154Pro).

NM_001122630.2(CDKN1C):c.428T>C (p.Leu143Pro)

Gene: CDKN1C (cyclin dependent kinase inhibitor 1C; minus strand). Cytogenetic location: 11p15.4.
Variant type: single nucleotide variant.
Coding change: c.428T>C on transcript NM_001122630.2 (MANE Select); coding-DNA position 428, T replaced by C.
Protein change: p.Leu143Pro; replaces leucine 143 with proline.
Molecular consequence: missense variant. On other transcripts: intron variant (1).
Genome position (GRCh38, 1-based): chr11:2,885,029, A>G on the plus strand (T>C on the coding strand, the complement: CDKN1C is on the minus strand). VCF-style: chr11-2885029-A-G. GRCh37 (hg19) VCF-style: chr11-2906259-A-G.
Other names: c.461T>C, p.Leu154Pro (NM_000076.2, NM_001362474.2); c.428T>C, p.Leu143Pro (NM_001122631.2); c.255+173T>C (NM_001362475.2); short protein forms L143P, L154P.
Identifiers: ClinVar variation 1021360 (VCV001021360.10), dbSNP rs1848952868, ClinGen allele CA379146653.